The following is an entry in ClinVar:

ClinVar aggregate classification (germline): Uncertain significance (1 of 4 stars; one submission).

gnomAD v4.1: 1 of 1,613,752 alleles (0.000062%); highest among the groups gnomAD compares: Non-Finnish European, 0.000085%; no homozygotes.

Submission:

GeneDx
Classification: Uncertain significance. Last evaluated: 2019-06-04. Review status: criteria provided, single submitter. Criteria: GeneDx Variant Classification Process June 2021. Collection method: clinical testing. Allele origin: germline. Affected: yes.
Comment: Not observed in large population cohorts (Lek et al., 2016); In silico analysis, which includes protein predictors and evolutionary conservation, supports that this variant does not alter protein structure/function; Has not been previously published as pathogenic or benign to our knowledge

NM_020806.5(GPHN):c.550G>A (p.Glu184Lys)

Gene: GPHN (gephyrin; plus strand). Cytogenetic location: 14q23.3.
Variant type: single nucleotide variant.
Coding change: c.550G>A on transcript NM_020806.5 (MANE Select); coding-DNA position 550, G replaced by A.
Protein change: p.Glu184Lys; replaces glutamic acid 184 with lysine.
Molecular consequence: missense variant.
Genome position (GRCh38, 1-based): chr14:66,922,759, G>A. VCF-style: chr14-66922759-G-A. GRCh37 (hg19) VCF-style: chr14-67389476-G-A.
Other names: c.550G>A, p.Glu184Lys (NM_001024218.2, NM_001377515.1, NM_001377516.1 and 2 more transcripts); c.589G>A, p.Glu197Lys (NM_001377514.1, NM_001377519.1); short protein forms E184K, E197K.
Identifiers: ClinVar variation 1305977 (VCV001305977.2), dbSNP rs2153561484, ClinGen allele CA390256189.
Genomic context (GRCh38, chr14:66,922,759, plus strand): 5'-CATGCCATTGACCTTTTACGTGATGCCATTGTAAAAGTAAAGGAGGTGCATGATGAACTT[G>A]AAGATTTGCCTTCCCCACCTCCCCCTCTTTCCCCTCCTCCTACTACCAGCCCCCATAAAC-3'
Protein context (NP_065857.1, residues 174-194): VKVKEVHDEL[Glu184Lys]DLPSPPPPLS